The following is an entry in ClinVar:

ClinVar aggregate classification (germline): Uncertain significance (1 of 4 stars; one submission).

Conditions:
Microcephaly 8, primary, autosomal recessive. Identifiers: Orphanet 2512, MedGen C3553414, MONDO:0013849, OMIM 614673.

Allele frequency attached by ClinVar (database versions not stated): gnomAD exomes below 0.00001 and 0.00001; gnomAD 0.00001; TOPMed 0.00001.
gnomAD v4.1: 18 of 1,613,604 alleles (0.0011%); highest among the groups gnomAD compares: African/African-American, 0.0027%; no homozygotes.

Submission:

Baylor Genetics
Classification: Uncertain significance for Microcephaly 8, primary, autosomal recessive. Last evaluated: 2020-01-24. Review status: criteria provided, single submitter. Criteria: ACMG Guidelines, 2015. Collection method: clinical testing. Allele origin: unknown. Affected: yes.
Comment: This variant was determined to be of uncertain significance according to ACMG Guidelines, 2015 [PMID:25741868].

NM_025009.5(CEP135):c.3346C>T (p.Arg1116Ter)

Gene: CEP135 (centrosomal protein 135; plus strand). Cytogenetic location: 4q12.
Variant type: single nucleotide variant.
Coding change: c.3346C>T on transcript NM_025009.5 (MANE Select); coding-DNA position 3346, C replaced by T.
Protein change: p.Arg1116Ter; replaces arginine 1116 with a stop codon.
Molecular consequence: nonsense.
Genome position (GRCh38, 1-based): chr4:56,024,526, C>T. VCF-style: chr4-56024526-C-T. GRCh37 (hg19) VCF-style: chr4-56890692-C-T.
Other names: short protein forms R1116*.
Identifiers: ClinVar variation 1028863 (VCV001028863.1), dbSNP rs953311582, ClinGen allele CA97595683.